The following is an entry in ClinVar:

NM_001008212.2(OPTN):c.404A>C (p.Glu135Ala)

Gene: OPTN (optineurin; plus strand). Cytogenetic location: 10p13.
Variant type: single nucleotide variant.
Coding change: c.404A>C on transcript NM_001008212.2 (MANE Select); coding-DNA position 404, A replaced by C.
Protein change: p.Glu135Ala; replaces glutamic acid 135 with alanine.
Molecular consequence: missense variant.
Genome position (GRCh38, 1-based): chr10:13,112,487, A>C. VCF-style: chr10-13112487-A-C. GRCh37 (hg19) VCF-style: chr10-13154487-A-C.
Other names: p.Glu135Ala; c.404A>C, p.Glu135Ala (NM_001008211.1, NM_001008213.1, NM_021980.4); short protein forms E135A.
Identifiers: ClinVar variation 1438247 (VCV001438247.19), dbSNP rs372714385, ClinGen allele CA5410617.
Genomic context (GRCh38, chr10:13,112,487, plus strand): 5'-TTCACTTTACTCCTTGTCATCTCCAGGACCCCACTGATGACTCCAGGCTTCCCAGGGCCG[A>C]AGCGGAGCAGGAAAAGGACCAGCTCAGGACCCAGGTGGTGAGGCTACAAGCAGAGAAGGC-3'
Protein context (NP_001008213.1, residues 125-145): PTDDSRLPRA[Glu135Ala]AEQEKDQLRT

ClinVar aggregate classification (germline): Conflicting classifications of pathogenicity. Review status: criteria provided, conflicting classifications (1 of 4 stars). 5 submissions from 5 submitters: Uncertain significance (4); Likely benign (1). Last evaluated 2026-01-25.

Conditions:
Amyotrophic lateral sclerosis type 12 (ALS12). Also called: AMYOTROPHIC LATERAL SCLEROSIS 12 WITH OR WITHOUT FRONTOTEMPORAL DEMENTIA. Identifiers: Orphanet 803, MedGen C3150692, MONDO:0013264, OMIM 613435.
Primary open angle glaucoma (POAG). Also called: OPTN-related open angle glaucoma. Identifiers: MedGen C0339573, MONDO:0100553, OMIM 137760.
Glaucoma 1, open angle, E. Identifiers: MedGen C1842026, MONDO:0007665.
Inborn genetic diseases. Identifiers: MedGen C0950123, MeSH D030342.
OPTN-related disorder. Also called: OPTN-related condition; OPTN-related disorders.

Allele frequency attached by ClinVar (database versions not stated): ESP Exome Variant Server 0.00008; 1000 Genomes Project 30x 0.00016; 1000 Genomes Project 0.00020.
gnomAD v4.1: 179 of 1,614,048 alleles (0.011%); highest among the groups gnomAD compares: South Asian, 0.091%; 3 homozygotes.

Submissions (5):

Labcorp Genetics (formerly Invitae), Labcorp
Classification: Uncertain significance for Primary open angle glaucoma; Glaucoma 1, open angle, E; Amyotrophic lateral sclerosis type 12. Last evaluated: 2026-01-25. Review status: criteria provided, single submitter. Criteria: Invitae Variant Classification Sherloc (09022015). Collection method: clinical testing. Allele origin: germline.
Comment: This sequence change replaces glutamic acid, which is acidic and polar, with alanine, which is neutral and non-polar, at codon 135 of the OPTN protein (p.Glu135Ala). This variant is present in population databases (rs372714385, gnomAD 0.06%). This variant has not been reported in the literature in individuals affected with OPTN-related conditions. ClinVar contains an entry for this variant (Variation ID: 1438247). Invitae Evidence Modeling of protein sequence and biophysical properties (such as structural, functional, and spatial information, amino acid conservation, physicochemical variation, residue mobility, and thermodynamic stability) indicates that this missense variant is not expected to disrupt OPTN protein function with a negative predictive value of 80%. In summary, the available evidence is currently insufficient to determine the role of this variant in disease. Therefore, it has been classified as a Variant of Uncertain Significance.

CeGaT Center for Human Genetics Tuebingen
Classification: Uncertain significance. Last evaluated: 2025-07-01. Review status: criteria provided, single submitter. Criteria: CeGaT Center For Human Genetics Tuebingen Variant Classification Criteria Version 2. Collection method: clinical testing. Allele origin: germline. Affected: yes. Observed: 1 variant allele.
Comment: OPTN: PM2, BP4

PreventionGenetics, part of Exact Sciences
Classification: Likely benign for OPTN-related condition. Last evaluated: 2025-06-03. Review status: criteria provided, single submitter. Criteria: ACMG Guidelines, 2015. Collection method: clinical testing. Allele origin: germline.
Comment: This variant is classified as likely benign based on ACMG/AMP sequence variant interpretation guidelines (Richards et al. 2015 PMID: 25741868, with internal and published modifications).

Mayo Clinic Laboratories, Mayo Clinic
Classification: Uncertain significance. Last evaluated: 2024-02-27. Review status: criteria provided, single submitter. Criteria: ACMG Guidelines, 2015. Collection method: clinical testing. Allele origin: germline. Observed: 1 variant allele.
Comment: BP4

Ambry Genetics
Classification: Uncertain significance for Inborn genetic diseases. Last evaluated: 2021-05-28. Review status: criteria provided, single submitter. Criteria: Ambry Variant Classification Scheme 2023. Collection method: clinical testing. Allele origin: germline.
Comment: The p.E135A variant (also known as c.404A>C), located in coding exon 3 of the OPTN gene, results from an A to C substitution at nucleotide position 404. The glutamic acid at codon 135 is replaced by alanine, an amino acid with dissimilar properties. This amino acid position is not well conserved in available vertebrate species. In addition, this alteration is predicted to be tolerated by in silico analysis. Based on the supporting evidence, this variant is unlikely to be causative of autosomal dominant amyotrophic lateral sclerosis (ALS); however, its contribution to the development of autosomal recessive ALS is uncertain.